The following is an entry in ClinVar:

NM_177550.5(SLC13A5):c.1077G>A (p.Val359=)

Gene: SLC13A5 (solute carrier family 13 member 5; minus strand). Cytogenetic location: 17p13.1.
Variant type: single nucleotide variant.
Coding change: c.1077G>A on transcript NM_177550.5 (MANE Select); coding-DNA position 1077, G replaced by A.
Protein change: p.Val359=; no amino-acid change (valine 359 retained).
Molecular consequence: synonymous variant.
Genome position (GRCh38, 1-based): chr17:6,694,176, C>T on the plus strand (G>A on the coding strand, the complement: SLC13A5 is on the minus strand). VCF-style: chr17-6694176-C-T. GRCh37 (hg19) VCF-style: chr17-6597495-C-T.
Other names: c.1077G>A, p.Val359= (NM_001143838.3); c.1026G>A, p.Val342= (NM_001284509.2); c.948G>A, p.Val316= (NM_001284510.2).
Identifiers: ClinVar variation 541972 (VCV000541972.45), dbSNP rs372363091, ClinGen allele CA8331521.

ClinVar aggregate classification (germline): Benign/Likely benign. Review status: criteria provided, multiple submitters, no conflicts (2 of 4 stars). 6 submissions from 6 submitters: Benign (2); Likely benign (4). Last evaluated 2025-11-13.

Conditions:
Inborn genetic diseases. Identifiers: MedGen C0950123, MeSH D030342.
Developmental and epileptic encephalopathy, 25 (DEE25). Also called: Epileptic encephalopathy, early infantile, 25; Developmental and epileptic encephalopathy 25, with amelogenesis imperfecta; Epileptic encephalopathy, early infantile, 25, with amelogenesis imperfecta. Identifiers: Orphanet 442835, MedGen C4014621, MONDO:0014392, OMIM 615905.

Allele frequency attached by ClinVar (database versions not stated): gnomAD exomes 0.00006 and 0.00014; ESP Exome Variant Server 0.00008; TOPMed 0.00008; gnomAD 0.00009 and 0.00010; ExAC 0.00010.
gnomAD v4.1: 117 of 1,612,462 alleles (0.0073%); highest among the groups gnomAD compares: Non-Finnish European, 0.0025%; no homozygotes.

Submissions (6):

Labcorp Genetics (formerly Invitae), Labcorp
Classification: Benign for Developmental and epileptic encephalopathy, 25. Last evaluated: 2025-11-13. Review status: criteria provided, single submitter. Criteria: Invitae Variant Classification Sherloc (09022015). Collection method: clinical testing. Allele origin: germline.

Blueprint Genetics
Classification: Likely benign. Last evaluated: 2024-11-25. Review status: criteria provided, single submitter. Criteria: ACMG Guidelines, 2015. Collection method: clinical testing. Allele origin: germline.

CeGaT Center for Human Genetics Tuebingen
Classification: Likely benign. Last evaluated: 2023-10-01. Review status: criteria provided, single submitter. Criteria: CeGaT Center For Human Genetics Tuebingen Variant Classification Criteria Version 2. Collection method: clinical testing. Allele origin: germline. Affected: yes. Observed: 1 variant allele.
Comment: SLC13A5: BP4, BP7

Genome-Nilou Lab
Classification: Benign for Developmental and epileptic encephalopathy, 25. Last evaluated: 2021-07-15. Review status: criteria provided, single submitter. Criteria: ACMG Guidelines, 2015. Collection method: clinical testing. Allele origin: germline. Affected: no.

GeneDx
Classification: Likely benign. Last evaluated: 2019-10-03. Review status: criteria provided, single submitter. Criteria: GeneDx Variant Classification Process June 2021. Collection method: clinical testing. Allele origin: germline. Affected: yes.

Ambry Genetics
Classification: Likely benign for Inborn genetic diseases. Last evaluated: 2016-10-27. Review status: criteria provided, single submitter. Criteria: Ambry Variant Classification Scheme 2023. Collection method: clinical testing. Allele origin: germline.